The following is an entry in ClinVar:

NM_000218.3(KCNQ1):c.707T>C (p.Leu236Pro)

Gene: KCNQ1 (potassium voltage-gated channel subfamily Q member 1; plus strand). Cytogenetic location: 11p15.5.
Variant type: single nucleotide variant.
Coding change: c.707T>C on transcript NM_000218.3 (MANE Select); coding-DNA position 707, T replaced by C.
Protein change: p.Leu236Pro; replaces leucine 236 with proline.
Molecular consequence: missense variant.
Genome position (GRCh38, 1-based): chr11:2,572,036, T>C. VCF-style: chr11-2572036-T-C. GRCh37 (hg19) VCF-style: chr11-2593266-T-C.
Other names: p.L236P:CTG>CCG; c.707T>C, p.Leu236Pro (NM_001406836.1); c.437T>C, p.Leu146Pro (NM_001406837.1); c.326T>C, p.Leu109Pro (NM_181798.2); short protein forms L109P, L236P, L146P.
Identifiers: ClinVar variation 200820 (VCV000200820.12), dbSNP rs794728512, ClinGen allele CA007943.

ClinVar aggregate classification (germline): Conflicting classifications of pathogenicity. Review status: criteria provided, conflicting classifications (1 of 4 stars). 3 submissions from 3 submitters: Pathogenic (1); Likely pathogenic (1); Uncertain significance (1). Last evaluated 2023-12-19.

Conditions:
Long QT syndrome (LQTS). Identifiers: MedGen C0023976, MeSH D008133, MONDO:0002442. Disease mechanism: loss of function. Inheritance: Various modes of inheritance.
Long QT syndrome 1 (LQT1). Identifiers: Orphanet 101016, Orphanet 768, MedGen C4551647, MONDO:0100316, OMIM 192500, MONDO:0008646.

Submissions (3):

Labcorp Genetics (formerly Invitae), Labcorp
Classification: Uncertain significance for Long QT syndrome. Last evaluated: 2023-12-19. Review status: criteria provided, single submitter. Criteria: Invitae Variant Classification Sherloc (09022015). Collection method: clinical testing. Allele origin: germline.
Comment: This sequence change replaces leucine, which is neutral and non-polar, with proline, which is neutral and non-polar, at codon 236 of the KCNQ1 protein (p.Leu236Pro). This variant is not present in population databases (gnomAD no frequency). This variant has not been reported in the literature in individuals affected with KCNQ1-related conditions. ClinVar contains an entry for this variant (Variation ID: 200820). Advanced modeling of protein sequence and biophysical properties (such as structural, functional, and spatial information, amino acid conservation, physicochemical variation, residue mobility, and thermodynamic stability) performed at Invitae indicates that this missense variant is expected to disrupt KCNQ1 protein function with a positive predictive value of 95%. Experimental studies have shown that this missense change affects KCNQ1 function (PMID: 29532034, 30571187). In summary, the available evidence is currently insufficient to determine the role of this variant in disease. Therefore, it has been classified as a Variant of Uncertain Significance.

MVZ Martinsried, Medicover Genetics
Classification: Pathogenic for Long QT syndrome 1. Last evaluated: 2019-04-17. Review status: criteria provided, single submitter. Criteria: ACMG Guidelines, 2015. Collection method: clinical testing. Allele origin: unknown. Affected: yes.

GeneDx
Classification: Likely pathogenic. Last evaluated: 2014-06-02. Review status: criteria provided, single submitter. Criteria: GeneDx Variant Classification (06012015). Collection method: clinical testing. Allele origin: germline. Affected: yes.
Comment: p.Leu236Pro (CTG>CCG): c.707 T>C in exon 5 of the KCNQ1 gene (NM_000218.2). The L236P variant has not been published as a mutation, nor has it been reported as a benign polymorphism to our knowledge. The L236P variant was not observed in approximately 6,500 individuals of European and African American ancestry in the NHLBI Exome Sequencing Project, indicating it is not a common benign variant in these populations. The L236P variant is a semi-conservative amino acid substitution, which may impact secondary protein structure as these residues differ in some properties. This substitution occurs at a position that is conserved across species. In silico analysis predicts this variant is probably damaging to the protein structure/function. Furthermore, missense mutations in nearby residues (R231C, R231H, I235N, L239P, V241G) have been reported in association with LQTS, supporting the functional importance of this region of the protein. Therefore, this variant is a strong candidate for a pathogenic mutation, however the possibility that it is a benign variant cannot be excluded. The variant is found in LQT panel(s).

Literature cited by the submitters: PubMed 29532034 (cited by Labcorp Genetics (formerly Invitae), Labcorp); PubMed 30571187 (cited by Labcorp Genetics (formerly Invitae), Labcorp).